The following is an entry in ClinVar:

ClinVar aggregate classification (germline): Uncertain significance. Review status: criteria provided, multiple submitters, no conflicts (2 of 4 stars). 3 submissions from 3 submitters: Uncertain significance (3). Last evaluated 2025-04-20.

Allele frequency attached by ClinVar (database versions not stated): TOPMed 0.00002; ExAC 0.00005; gnomAD exomes 0.00007 and 0.00008; ESP Exome Variant Server 0.00008; gnomAD 0.00008 and 0.00009.
gnomAD v4.1: 110 of 1,612,648 alleles (0.0068%); highest among the groups gnomAD compares: Non-Finnish European, 0.0063%; no homozygotes.

Submissions (3):

Ambry Genetics
Classification: Uncertain significance. Last evaluated: 2025-04-20. Review status: criteria provided, single submitter. Criteria: Ambry Variant Classification Scheme 2023. Collection method: clinical testing. Allele origin: germline.

Labcorp Genetics (formerly Invitae), Labcorp
Classification: Uncertain significance. Last evaluated: 2024-10-08. Review status: criteria provided, single submitter. Criteria: Invitae Variant Classification Sherloc (09022015). Collection method: clinical testing. Allele origin: germline.
Comment: This sequence change replaces proline, which is neutral and non-polar, with leucine, which is neutral and non-polar, at codon 288 of the DHX38 protein (p.Pro288Leu). This variant is present in population databases (rs148934675, gnomAD 0.05%). This variant has not been reported in the literature in individuals affected with DHX38-related conditions. ClinVar contains an entry for this variant (Variation ID: 1024669). Invitae Evidence Modeling of protein sequence and biophysical properties (such as structural, functional, and spatial information, amino acid conservation, physicochemical variation, residue mobility, and thermodynamic stability) indicates that this missense variant is not expected to disrupt DHX38 protein function with a negative predictive value of 80%. In summary, the available evidence is currently insufficient to determine the role of this variant in disease. Therefore, it has been classified as a Variant of Uncertain Significance.

Blueprint Genetics
Classification: Uncertain significance. Last evaluated: 2023-08-10. Review status: criteria provided, single submitter. Criteria: ACMG Guidelines, 2015. Collection method: clinical testing. Allele origin: germline.

NM_014003.4(DHX38):c.863C>T (p.Pro288Leu)

Gene: DHX38 (DEAH-box helicase 38; plus strand). Cytogenetic location: 16q22.2.
Variant type: single nucleotide variant.
Coding change: c.863C>T on transcript NM_014003.4 (MANE Select); coding-DNA position 863, C replaced by T.
Protein change: p.Pro288Leu; replaces proline 288 with leucine.
Molecular consequence: missense variant.
Genome position (GRCh38, 1-based): chr16:72,099,025, C>T. VCF-style: chr16-72099025-C-T. GRCh37 (hg19) VCF-style: chr16-72132924-C-T.
Other names: c.863C>T (NM_014003.3); short protein forms P288L.
Identifiers: ClinVar variation 1024669 (VCV001024669.7), dbSNP rs148934675, ClinGen allele CA8160099.